The following is an entry in ClinVar:

ClinVar aggregate classification (germline): Uncertain significance (1 of 4 stars; one submission).

Conditions:
Catecholaminergic polymorphic ventricular tachycardia 1. Also called: VENTRICULAR TACHYCARDIA, STRESS-INDUCED POLYMORPHIC 1; VENTRICULAR TACHYCARDIA, CATECHOLAMINERGIC POLYMORPHIC, 1, WITH OR WITHOUT ATRIAL DYSFUNCTION AND/OR DILATED CARDIOMYOPATHY; RYR2-Related Catecholaminergic Polymorphic Ventricular Tachycardia. Identifiers: Orphanet 3286, MedGen C1631597, MONDO:0011484, OMIM 604772.

Allele frequency attached by ClinVar (database versions not stated): TOPMed below 0.00001.
gnomAD v4.1: 7 of 1,500,484 alleles (0.00047%); highest among the groups gnomAD compares: Admixed American, 0.0018%; no homozygotes.

Submission:

Labcorp Genetics (formerly Invitae), Labcorp
Classification: Uncertain significance for Catecholaminergic polymorphic ventricular tachycardia 1. Last evaluated: 2022-04-25. Review status: criteria provided, single submitter. Criteria: Invitae Variant Classification Sherloc (09022015). Collection method: clinical testing. Allele origin: germline.
Comment: This sequence change replaces proline, which is neutral and non-polar, with leucine, which is neutral and non-polar, at codon 196 of the TRDN protein (p.Pro196Leu). The frequency data for this variant in the population databases is considered unreliable, as metrics indicate poor data quality at this position in the gnomAD database. This variant has not been reported in the literature in individuals affected with TRDN-related conditions. ClinVar contains an entry for this variant (Variation ID: 1054218). Algorithms developed to predict the effect of missense changes on protein structure and function are either unavailable or do not agree on the potential impact of this missense change (SIFT: "Deleterious"; PolyPhen-2: "Not Available"; Align-GVGD: "Class C0"). In summary, the available evidence is currently insufficient to determine the role of this variant in disease. Therefore, it has been classified as a Variant of Uncertain Significance.

NM_006073.4(TRDN):c.587C>T (p.Pro196Leu)

Gene: TRDN (triadin; minus strand). Cytogenetic location: 6q22.31.
Variant type: single nucleotide variant.
Coding change: c.587C>T on transcript NM_006073.4 (MANE Select); coding-DNA position 587, C replaced by T.
Protein change: p.Pro196Leu; replaces proline 196 with leucine.
Molecular consequence: missense variant.
Genome position (GRCh38, 1-based): chr6:123,512,326, G>A on the plus strand (C>T on the coding strand, the complement: TRDN is on the minus strand). VCF-style: chr6-123512326-G-A. GRCh37 (hg19) VCF-style: chr6-123833471-G-A.
Other names: c.587C>T, p.Pro196Leu (NM_001251987.2, NM_001256020.2, NM_001256021.2); short protein forms P196L.
Identifiers: ClinVar variation 1054218 (VCV001054218.5), dbSNP rs1277590915, ClinGen allele CA365568061.